The following is an entry in ClinVar:

ClinVar aggregate classification (germline): Uncertain significance (1 of 4 stars; one submission).

Conditions:
Neuropathy, hereditary motor and sensory, type 6B (HMSN6B). Also called: Neuropathy, hereditary motor and sensory, type VIB; HMSN VIB; CHARCOT-MARIE-TOOTH DISEASE, TYPE 6B; NEUROPATHY, HEREDITARY MOTOR AND SENSORY, TYPE VIB, WITH OPTIC ATROPHY. Identifiers: MedGen C4225302, MONDO:0014671, OMIM 616505.

Submission:

Labcorp Genetics (formerly Invitae), Labcorp
Classification: Uncertain significance for Neuropathy, hereditary motor and sensory, type 6B. Last evaluated: 2025-12-21. Review status: criteria provided, single submitter. Criteria: Invitae Variant Classification Sherloc (09022015). Collection method: clinical testing. Allele origin: germline.
Comment: This sequence change replaces glutamic acid, which is acidic and polar, with glutamine, which is neutral and polar, at codon 358 of the SLC25A46 protein (p.Glu358Gln). This variant is not present in population databases (gnomAD no frequency). This variant has not been reported in the literature in individuals affected with SLC25A46-related conditions. ClinVar contains an entry for this variant (Variation ID: 656524). Invitae Evidence Modeling of protein sequence and biophysical properties (such as structural, functional, and spatial information, amino acid conservation, physicochemical variation, residue mobility, and thermodynamic stability) indicates that this missense variant is not expected to disrupt SLC25A46 protein function with a negative predictive value of 80%. In summary, the available evidence is currently insufficient to determine the role of this variant in disease. Therefore, it has been classified as a Variant of Uncertain Significance.

NM_138773.4(SLC25A46):c.1072G>C (p.Glu358Gln)

Gene: SLC25A46 (solute carrier family 25 member 46; plus strand). Cytogenetic location: 5q22.1.
Variant type: single nucleotide variant.
Coding change: c.1072G>C on transcript NM_138773.4 (MANE Select); coding-DNA position 1072, G replaced by C.
Protein change: p.Glu358Gln; replaces glutamic acid 358 with glutamine.
Molecular consequence: missense variant. On other transcripts: non-coding transcript variant (1).
Genome position (GRCh38, 1-based): chr5:110,761,597, G>C. VCF-style: chr5-110761597-G-C. GRCh37 (hg19) VCF-style: chr5-110097297-G-C.
Other names: c.829G>C, p.Glu277Gln (NM_001303249.3); c.799G>C, p.Glu267Gln (NM_001303250.3); short protein forms E277Q, E358Q, E267Q.
Identifiers: ClinVar variation 656524 (VCV000656524.9), dbSNP rs977278982, ClinGen allele CA125344938.
Genomic context (GRCh38, chr5:110,761,597, plus strand): 5'-TTGCACCGCCTTCACATTCAAGGAACACGCACAATAATTGACAATACAGACCTTGGCTAT[G>C]AAGTGCTTCCAATTAATACACAATATGAGGGAATGAGAGACTGTATCAATACCATAAGGC-3'
Protein context (NP_620128.1, residues 348-368): TIIDNTDLGY[Glu358Gln]VLPINTQYEG